The following is an entry in ClinVar:

NM_000188.3(HK1):c.2230A>G (p.Met744Val)

Gene: HK1 (hexokinase 1; plus strand). Cytogenetic location: 10q22.1.
Variant type: single nucleotide variant.
Coding change: c.2230A>G on transcript NM_000188.3 (MANE Select); coding-DNA position 2230, A replaced by G.
Protein change: p.Met744Val; replaces methionine 744 with valine.
Molecular consequence: missense variant.
Genome position (GRCh38, 1-based): chr10:69,394,960, A>G. VCF-style: chr10-69394960-A-G. GRCh37 (hg19) VCF-style: chr10-71154716-A-G.
Other names: c.2242A>G, p.Met748Val (NM_001322364.2, NM_001358263.1, NM_033497.3 and 1 more transcripts); c.2335A>G, p.Met779Val (NM_001322365.2); c.2146A>G, p.Met716Val (NM_001322366.1); c.2134A>G, p.Met712Val (NM_001322367.1); c.2227A>G, p.Met743Val (NM_033496.3); c.2194A>G, p.Met732Val (NM_033500.2); short protein forms M712V, M748V, M716V, M732V, M743V, M744V, M779V.
Identifiers: ClinVar variation 2975545 (VCV002975545.3), dbSNP rs774580142, ClinGen allele CA209216873.

ClinVar aggregate classification (germline): Uncertain significance (1 of 4 stars; one submission).

Allele frequency attached by ClinVar (database versions not stated): gnomAD exomes below 0.00001.
gnomAD v4.1: 2 of 1,614,124 alleles (0.00012%); highest among the groups gnomAD compares: Non-Finnish European, 0.00017%; no homozygotes.

Submission:

Labcorp Genetics (formerly Invitae), Labcorp
Classification: Uncertain significance. Last evaluated: 2023-03-02. Review status: criteria provided, single submitter. Criteria: Invitae Variant Classification Sherloc (09022015). Collection method: clinical testing. Allele origin: germline.
Comment: This variant has not been reported in the literature in individuals affected with HK1-related conditions. In summary, the available evidence is currently insufficient to determine the role of this variant in disease. Therefore, it has been classified as a Variant of Uncertain Significance. Advanced modeling of protein sequence and biophysical properties (such as structural, functional, and spatial information, amino acid conservation, physicochemical variation, residue mobility, and thermodynamic stability) performed at Invitae indicates that this missense variant is not expected to disrupt HK1 protein function. This variant is not present in population databases (gnomAD no frequency). This sequence change replaces methionine, which is neutral and non-polar, with valine, which is neutral and non-polar, at codon 744 of the HK1 protein (p.Met744Val).